The following is an entry in ClinVar:

ClinVar aggregate classification (germline): Uncertain significance (1 of 4 stars; one submission).

Conditions:
Cornelia de Lange syndrome 3 (CDLS3). Also called: SMC3-Related Cornelia de Lange Syndrome; CORNELIA DE LANGE SYNDROME 3 WITH OR WITHOUT MIDLINE BRAIN DEFECTS. Identifiers: Orphanet 199, MedGen C1853099, MONDO:0012555, OMIM 610759.

Submission:

MVZ Medizinische Genetik Mainz
Classification: Uncertain significance for Cornelia de Lange syndrome 3. Last evaluated: 2022-01-05. Review status: criteria provided, single submitter. Criteria: UK Practice Guidelines For Variant Classification V4 01 2020. Collection method: clinical testing. Allele origin: germline. Inheritance: Autosomal dominant inheritance. Affected: yes. Observed: 1 variant allele.
Comment: ACMG Criteria: PM2_SUP, PP2, PP3 (ACMG Version 3)

NM_005445.4(SMC3):c.1760T>C (p.Phe587Ser)

Gene: SMC3 (structural maintenance of chromosomes 3; plus strand). Cytogenetic location: 10q25.2.
Variant type: single nucleotide variant.
Coding change: c.1760T>C on transcript NM_005445.4 (MANE Select); coding-DNA position 1760, T replaced by C.
Protein change: p.Phe587Ser; replaces phenylalanine 587 with serine.
Molecular consequence: missense variant.
Genome position (GRCh38, 1-based): chr10:110,591,080, T>C. VCF-style: chr10-110591080-T-C. GRCh37 (hg19) VCF-style: chr10-112350838-T-C.
Other names: short protein forms F587S.
Identifiers: ClinVar variation 3236098 (VCV003236098.1), dbSNP rs2493128635, ClinGen allele CA378389800.